The following is an entry in ClinVar:

ClinVar aggregate classification (germline): Uncertain significance (1 of 4 stars; one submission).

Submission:

Labcorp Genetics (formerly Invitae), Labcorp
Classification: Uncertain significance. Last evaluated: 2022-06-05. Review status: criteria provided, single submitter. Criteria: Invitae Variant Classification Sherloc (09022015). Collection method: clinical testing. Allele origin: germline.
Comment: This sequence change replaces proline, which is neutral and non-polar, with alanine, which is neutral and non-polar, at codon 348 of the RBP3 protein (p.Pro348Ala). In summary, the available evidence is currently insufficient to determine the role of this variant in disease. Therefore, it has been classified as a Variant of Uncertain Significance. Algorithms developed to predict the effect of missense changes on protein structure and function are either unavailable or do not agree on the potential impact of this missense change (SIFT: "Deleterious"; PolyPhen-2: "Possibly Damaging"; Align-GVGD: "Class C0"). ClinVar contains an entry for this variant (Variation ID: 1367215). This variant has not been reported in the literature in individuals affected with RBP3-related conditions. This variant is not present in population databases (gnomAD no frequency).

NM_002900.3(RBP3):c.1042C>G (p.Pro348Ala)

Gene: RBP3 (retinol binding protein 3; plus strand). Cytogenetic location: 10q11.22.
Variant type: single nucleotide variant.
Coding change: c.1042C>G on transcript NM_002900.3 (MANE Select); coding-DNA position 1042, C replaced by G.
Protein change: p.Pro348Ala; replaces proline 348 with alanine.
Molecular consequence: missense variant.
Genome position (GRCh38, 1-based): chr10:47,349,526, C>G. VCF-style: chr10-47349526-C-G. GRCh37 (hg19) VCF-style: chr10-48389836-G-C.
Other names: short protein forms P348A.
Identifiers: ClinVar variation 1367215 (VCV001367215.6), dbSNP rs199720350, ClinGen allele CA376667706.